The following is an entry in ClinVar:

ClinVar aggregate classification (germline): Uncertain significance. Review status: criteria provided, multiple submitters, no conflicts (2 of 4 stars). 3 submissions from 3 submitters: Uncertain significance (3). Last evaluated 2026-01-04.

Conditions:
Dilated cardiomyopathy 1JJ (CMD1JJ). Identifiers: Orphanet 154, MedGen C3808935, MONDO:0014095, OMIM 615235.
Cardiovascular phenotype. Identifiers: MedGen CN230736.

Allele frequency attached by ClinVar (database versions not stated): gnomAD exomes 0.00001 and 0.00002; ExAC 0.00002; TOPMed 0.00002; gnomAD 0.00003 and 0.00004.
gnomAD v4.1: 16 of 1,613,486 alleles (0.00099%); highest among the groups gnomAD compares: African/African-American, 0.017%; no homozygotes.

Submissions (3):

Labcorp Genetics (formerly Invitae), Labcorp
Classification: Uncertain significance for Dilated cardiomyopathy 1JJ. Last evaluated: 2026-01-04. Review status: criteria provided, single submitter. Criteria: Invitae Variant Classification Sherloc (09022015). Collection method: clinical testing. Allele origin: germline.
Comment: This sequence change replaces leucine, which is neutral and non-polar, with arginine, which is basic and polar, at codon 1181 of the LAMA4 protein (p.Leu1181Arg). This variant is present in population databases (rs782291756, gnomAD 0.02%). This variant has not been reported in the literature in individuals affected with LAMA4-related conditions. ClinVar contains an entry for this variant (Variation ID: 222683). Invitae Evidence Modeling of protein sequence and biophysical properties (such as structural, functional, and spatial information, amino acid conservation, physicochemical variation, residue mobility, and thermodynamic stability) has been performed for this missense variant. However, the output from this modeling did not meet the statistical confidence thresholds required to predict the impact of this variant on LAMA4 protein function. In summary, the available evidence is currently insufficient to determine the role of this variant in disease. Therefore, it has been classified as a Variant of Uncertain Significance.

Ambry Genetics
Classification: Uncertain significance for Cardiovascular phenotype. Last evaluated: 2025-09-18. Review status: criteria provided, single submitter. Criteria: Ambry Variant Classification Scheme 2023. Collection method: clinical testing. Allele origin: germline.
Comment: The p.L1181R variant (also known as c.3542T>G), located in coding exon 26 of the LAMA4 gene, results from a T to G substitution at nucleotide position 3542. The leucine at codon 1181 is replaced by arginine, an amino acid with dissimilar properties. This amino acid position is conserved. In addition, the in silico prediction for this alteration is inconclusive. Since supporting evidence is limited at this time, the clinical significance of this alteration remains unclear.

Blueprint Genetics
Classification: Uncertain significance. Last evaluated: 2020-08-11. Review status: criteria provided, single submitter. Criteria: ACMG Guidelines, 2015. Collection method: clinical testing. Allele origin: germline.

NM_001105206.3(LAMA4):c.3563T>G (p.Leu1188Arg)

Gene: LAMA4 (laminin subunit alpha 4; minus strand). Cytogenetic location: 6q21.
Variant type: single nucleotide variant.
Coding change: c.3563T>G on transcript NM_001105206.3 (MANE Select); coding-DNA position 3563, T replaced by G.
Protein change: p.Leu1188Arg; replaces leucine 1188 with arginine.
Molecular consequence: missense variant.
Genome position (GRCh38, 1-based): chr6:112,133,482, A>C on the plus strand (T>G on the coding strand, the complement: LAMA4 is on the minus strand). VCF-style: chr6-112133482-A-C. GRCh37 (hg19) VCF-style: chr6-112454684-A-C.
Other names: c.3542T>G, p.Leu1181Arg (NM_001105207.3, NM_002290.5); c.3542T>G (NM_002290.3); short protein forms L1181R, L1188R.
Identifiers: ClinVar variation 222683 (VCV000222683.14), dbSNP rs782291756, ClinGen allele CA078350.